The following is an entry in ClinVar:

ClinVar aggregate classification (germline): Uncertain significance (1 of 4 stars; one submission).

Submission:

Labcorp Genetics (formerly Invitae), Labcorp
Classification: Uncertain significance. Last evaluated: 2024-10-07. Review status: criteria provided, single submitter. Criteria: Invitae Variant Classification Sherloc (09022015). Collection method: clinical testing. Allele origin: germline.
Comment: This variant, c.1476_1478del, results in the deletion of 1 amino acid(s) of the KIF1BP protein (p.Asp493del), but otherwise preserves the integrity of the reading frame. This variant is not present in population databases (gnomAD no frequency). This variant has not been reported in the literature in individuals affected with KIF1BP-related conditions. Experimental studies and prediction algorithms are not available or were not evaluated, and the functional significance of this variant is currently unknown. In summary, the available evidence is currently insufficient to determine the role of this variant in disease. Therefore, it has been classified as a Variant of Uncertain Significance.

NM_015634.4(KIFBP):c.1476_1478del (p.Asp493del)

Gene: KIFBP (kinesin family binding protein; plus strand). Cytogenetic location: 10q22.1.
Variant type: Deletion.
Coding change: c.1476_1478del on transcript NM_015634.4 (MANE Select); coding-DNA positions 1476 to 1478, 3 bases deleted (TGA; older notation c.1476_1478delTGA).
Protein change: p.Asp493del; deletes aspartic acid 493.
Genome position (GRCh38, 1-based): chr10:69,016,026-69,016,028, TGA deleted. VCF-style (leftmost placement, unchanged base first): chr10-69016025-CTGA-C. GRCh37 (hg19) VCF-style: chr10-70775781-CTGA-C.
Other names: short protein forms D493del.
Identifiers: ClinVar variation 3686000 (VCV003686000.2).